The following is an entry in ClinVar:

ClinVar aggregate classification (germline): Uncertain significance (1 of 4 stars; one submission).

Conditions:
Aortic aneurysm, familial thoracic 4 (AAT4). Also called: AORTIC ANEURYSM/AORTIC DISSECTION AND PATENT DUCTUS ARTERIOSUS. Identifiers: MedGen C1851504, MONDO:0007568, OMIM 132900.

Submission:

Labcorp Genetics (formerly Invitae), Labcorp
Classification: Uncertain significance for Aortic aneurysm, familial thoracic 4. Last evaluated: 2020-02-02. Review status: criteria provided, single submitter. Criteria: Invitae Variant Classification Sherloc (09022015). Collection method: clinical testing. Allele origin: germline.
Comment: In summary, the available evidence is currently insufficient to determine the role of this variant in disease. Therefore, it has been classified as a Variant of Uncertain Significance. Algorithms developed to predict the effect of missense changes on protein structure and function (SIFT, PolyPhen-2, Align-GVGD) all suggest that this variant is likely to be disruptive, but these predictions have not been confirmed by published functional studies and their clinical significance is uncertain. This variant has not been reported in the literature in individuals with MYH11-related conditions. This variant is not present in population databases (ExAC no frequency). This sequence change replaces tyrosine with aspartic acid at codon 807 of the MYH11 protein (p.Tyr807Asp). The tyrosine residue is highly conserved and there is a large physicochemical difference between tyrosine and aspartic acid.

NM_002474.3(MYH11):c.2398T>G (p.Tyr800Asp)

Gene: MYH11 (myosin heavy chain 11; minus strand). Cytogenetic location: 16p13.11.
Variant type: single nucleotide variant.
Coding change: c.2398T>G on transcript NM_002474.3 (MANE Select); coding-DNA position 2398, T replaced by G.
Protein change: p.Tyr800Asp; replaces tyrosine 800 with aspartic acid.
Molecular consequence: missense variant.
Genome position (GRCh38, 1-based): chr16:15,747,583, A>C on the plus strand (T>G on the coding strand, the complement: MYH11 is on the minus strand). VCF-style: chr16-15747583-A-C. GRCh37 (hg19) VCF-style: chr16-15841440-A-C.
Other names: c.2419T>G, p.Tyr807Asp (NM_001040113.2, NM_001040114.2); c.2398T>G, p.Tyr800Asp (NM_022844.3); short protein forms Y800D, Y807D.
Identifiers: ClinVar variation 1017903 (VCV001017903.9), dbSNP rs1567723860, ClinGen allele CA394867146.